The following is an entry in ClinVar:

NM_003922.4(HERC1):c.5185T>C (p.Tyr1729His)

Gene: HERC1 (HECT and RLD domain containing E3 ubiquitin protein ligase family member 1; minus strand). Cytogenetic location: 15q22.31.
Variant type: single nucleotide variant.
Coding change: c.5185T>C on transcript NM_003922.4 (MANE Select); coding-DNA position 5185, T replaced by C.
Protein change: p.Tyr1729His; replaces tyrosine 1729 with histidine.
Molecular consequence: missense variant.
Genome position (GRCh38, 1-based): chr15:63,694,831, A>G on the plus strand (T>C on the coding strand, the complement: HERC1 is on the minus strand). VCF-style: chr15-63694831-A-G. GRCh37 (hg19) VCF-style: chr15-63987030-A-G.
Other names: short protein forms Y1729H.
Identifiers: ClinVar variation 2443397 (VCV002443397.2), dbSNP rs889834587, ClinGen allele CA272102112.
Genomic context (GRCh38, chr15:63,694,831, plus strand): 5'-TACCAATGTGATGCTTGTTTGCTTGCAGGGCTCTTTCCAGGGTAGCAGACAACTGTTGAT[A>G]AATTTTATGCACAGCTACCTGGATTTCAATCTGAATATTTCTCTTAGCTGCTCTGATCCC-3'
Protein context (NP_003913.3, residues 1719-1739): IEIQVAVHKI[Tyr1729His]QQLSATLERA

ClinVar aggregate classification (germline): Uncertain significance. Review status: criteria provided, multiple submitters, no conflicts (2 of 4 stars). 2 submissions from 2 submitters: Uncertain significance (2). Last evaluated 2024-12-28.

Conditions:
Inborn genetic diseases. Identifiers: MedGen C0950123, MeSH D030342.

Allele frequency attached by ClinVar (database versions not stated): gnomAD exomes below 0.00001; gnomAD 0.00001; TOPMed 0.00001.
gnomAD v4.1: 6 of 1,613,766 alleles (0.00037%); highest among the groups gnomAD compares: Non-Finnish European, 0.00042%; no homozygotes.

Submissions (2):

Ambry Genetics
Classification: Uncertain significance for Inborn genetic diseases. Last evaluated: 2024-12-28. Review status: criteria provided, single submitter. Criteria: Ambry Variant Classification Scheme 2023. Collection method: clinical testing. Allele origin: germline.

GeneDx
Classification: Uncertain significance. Last evaluated: 2022-09-13. Review status: criteria provided, single submitter. Criteria: GeneDx Variant Classification Process June 2021. Collection method: clinical testing. Allele origin: germline. Affected: yes.
Comment: Not observed at significant frequency in large population cohorts (gnomAD); In silico analysis supports that this missense variant has a deleterious effect on protein structure/function; Has not been previously published as pathogenic or benign to our knowledge